The following is an entry in ClinVar:

ClinVar aggregate classification (germline): Uncertain significance (1 of 4 stars; one submission).

Conditions:
Inborn genetic diseases. Identifiers: MedGen C0950123, MeSH D030342.

Submission:

Ambry Genetics
Classification: Uncertain significance for Inborn genetic diseases. Last evaluated: 2024-02-25. Review status: criteria provided, single submitter. Criteria: Ambry Variant Classification Scheme 2023. Collection method: clinical testing. Allele origin: germline.
Comment: The p.P424L variant (also known as c.1271C>T), located in coding exon 12 of the AKT1 gene, results from a C to T substitution at nucleotide position 1271. The proline at codon 424 is replaced by leucine, an amino acid with similar properties. This amino acid position is conserved. In addition, the in silico prediction for this alteration is inconclusive. Based on the available evidence, the clinical significance of this alteration remains unclear.

NM_001382430.1(AKT1):c.1271C>T (p.Pro424Leu)

Gene: AKT1 (AKT serine/threonine kinase 1; minus strand). Cytogenetic location: 14q32.33.
Variant type: single nucleotide variant.
Coding change: c.1271C>T on transcript NM_001382430.1 (MANE Select); coding-DNA position 1271, C replaced by T.
Protein change: p.Pro424Leu; replaces proline 424 with leucine.
Molecular consequence: missense variant.
Genome position (GRCh38, 1-based): chr14:104,770,837, G>A on the plus strand (C>T on the coding strand, the complement: AKT1 is on the minus strand). VCF-style: chr14-104770837-G-A. GRCh37 (hg19) VCF-style: chr14-105237174-G-A.
Other names: c.1271C>T, p.Pro424Leu (NM_001014431.2, NM_001014432.2, NM_001382431.1 and 3 more transcripts); short protein forms P424L.
Identifiers: ClinVar variation 3224616 (VCV003224616.1), dbSNP rs2542103685, ClinGen allele CA391214772.